The following is an entry in ClinVar:

ClinVar aggregate classification (germline): Uncertain significance (1 of 4 stars; one submission).

Submission:

Genetic Services Laboratory, University of Chicago
Classification: Uncertain significance. Last evaluated: 2023-03-06. Review status: criteria provided, single submitter. Criteria: ACMG Guidelines, 2015. Collection method: clinical testing. Allele origin: germline. Affected: no.
Comment: DNA sequence analysis of the ACTN4 gene demonstrated a sequence change, c.2075A>G, in exon 17 that results in an amino acid change, p.Gln692Arg. This sequence change does not appear to have been previously described in individuals with ACTN4-related disorders and has also not been described in population databases such as ExAC and gnomAD. The p.Gln692Arg change affects a moderately conserved amino acid residue located in a domain of the ACTN4 protein that is known to be functional. In-silico pathogenicity prediction tools (SIFT, PolyPhen2, Align GVGD, REVEL) provide contradictory results for the p.Gln692Arg substitution. Due to insufficient evidences and the lack of functional studies, the clinical significance of the p.Gln692Arg change remains unknown at this time.

NM_004924.6(ACTN4):c.2075A>G (p.Gln692Arg)

Gene: ACTN4 (actinin alpha 4; plus strand). Cytogenetic location: 19q13.2.
Variant type: single nucleotide variant.
Coding change: c.2075A>G on transcript NM_004924.6 (MANE Select); coding-DNA position 2075, A replaced by G.
Protein change: p.Gln692Arg; replaces glutamine 692 with arginine.
Molecular consequence: missense variant.
Genome position (GRCh38, 1-based): chr19:38,725,788, A>G. VCF-style: chr19-38725788-A-G. GRCh37 (hg19) VCF-style: chr19-39216428-A-G.
Other names: c.2075A>G, p.Gln692Arg (NM_001322033.2, NM_001411143.1, NM_001440296.1 and 2 more transcripts); c.1823A>G, p.Gln608Arg (NM_001440299.1); short protein forms Q608R, Q692R.
Identifiers: ClinVar variation 4082543 (VCV004082543.2).